The following is an entry in ClinVar:

NM_020821.3(VPS13C):c.192A>G (p.Lys64=)

Gene: VPS13C (vacuolar protein sorting 13 homolog C; minus strand). Cytogenetic location: 15q22.2.
Variant type: single nucleotide variant.
Coding change: c.192A>G on transcript NM_020821.3 (MANE Select); coding-DNA position 192, A replaced by G.
Protein change: p.Lys64=; no amino-acid change (lysine 64 retained).
Molecular consequence: synonymous variant.
Genome position (GRCh38, 1-based): chr15:62,035,048, T>C on the plus strand (A>G on the coding strand, the complement: VPS13C is on the minus strand). VCF-style: chr15-62035048-T-C. GRCh37 (hg19) VCF-style: chr15-62327247-T-C.
Other names: c.192A>G, p.Lys64= (NM_001018088.3, NM_017684.5, NM_018080.4); c.192A>G (NM_020821.2).
Identifiers: ClinVar variation 1530010 (VCV001530010.32), dbSNP rs150324870, ClinGen allele CA7597635.

ClinVar aggregate classification (germline): Likely benign. Review status: criteria provided, multiple submitters, no conflicts (2 of 4 stars). 3 submissions from 3 submitters: Likely benign (3). Last evaluated 2025-01-28.

Conditions:
VPS13C-related disorder. Also called: VPS13C-related condition.

Allele frequency attached by ClinVar (database versions not stated): gnomAD 0.00011; ESP Exome Variant Server 0.00015; gnomAD exomes 0.00016 and 0.00032; ExAC 0.00019; TOPMed 0.00020.
gnomAD v4.1: 474 of 1,601,654 alleles (0.03%); highest among the groups gnomAD compares: Non-Finnish European, 0.038%; no homozygotes.

Submissions (3):

PreventionGenetics, part of Exact Sciences
Classification: Likely benign for VPS13C-related condition. Last evaluated: 2025-01-28. Review status: criteria provided, single submitter. Criteria: ACMG Guidelines, 2015. Collection method: clinical testing. Allele origin: germline.
Comment: This variant is classified as likely benign based on ACMG/AMP sequence variant interpretation guidelines (Richards et al. 2015 PMID: 25741868, with internal and published modifications).

Labcorp Genetics (formerly Invitae), Labcorp
Classification: Likely benign. Last evaluated: 2024-11-12. Review status: criteria provided, single submitter. Criteria: Invitae Variant Classification Sherloc (09022015). Collection method: clinical testing. Allele origin: germline.

CeGaT Center for Human Genetics Tuebingen
Classification: Likely benign. Last evaluated: 2023-01-01. Review status: criteria provided, single submitter. Criteria: CeGaT Center For Human Genetics Tuebingen Variant Classification Criteria Version 2. Collection method: clinical testing. Allele origin: germline. Affected: yes. Observed: 1 variant allele.
Comment: VPS13C: BP4, BP7